The following is an entry in ClinVar:

NM_000127.3(EXT1):c.2100G>A (p.Gln700=)

Gene: EXT1 (exostosin glycosyltransferase 1; minus strand). Cytogenetic location: 8q24.11.
Variant type: single nucleotide variant.
Coding change: c.2100G>A on transcript NM_000127.3 (MANE Select); coding-DNA position 2100, G replaced by A.
Protein change: p.Gln700=; no amino-acid change (glutamine 700 retained).
Molecular consequence: synonymous variant.
Genome position (GRCh38, 1-based): chr8:117,799,853, C>T on the plus strand (G>A on the coding strand, the complement: EXT1 is on the minus strand). VCF-style: chr8-117799853-C-T. GRCh37 (hg19) VCF-style: chr8-118812092-C-T.
Other names: c.2100G>A (NM_000127.2).
Identifiers: ClinVar variation 1164204 (VCV001164204.11), dbSNP rs747703304, ClinGen allele CA4853945.

ClinVar aggregate classification (germline): Benign. Review status: criteria provided, single submitter (1 of 4 stars). 2 submissions from 2 submitters: Benign (1). 1 of the submissions does not count toward it. Last evaluated 2025-11-25.

Conditions:
Multiple congenital exostosis (EXT). Also called: MULTIPLE CARTILAGINOUS EXOSTOSES; Hereditary multiple osteochondromas; Multiple exostoses; Hereditary multiple exostoses; Hereditary multiple exostosis; Multiple osteochondromas. Identifiers: Orphanet 321, MedGen C0015306, MONDO:0005508, HP:0002762.
EXT1-related disorder. Also called: EXT1-related condition.

Allele frequency attached by ClinVar (database versions not stated): gnomAD exomes 0.00007 and 0.00014; TOPMed 0.00010; ExAC 0.00017; gnomAD 0.00001.
gnomAD v4.1: 42 of 1,614,036 alleles (0.0026%); highest among the groups gnomAD compares: Admixed American, 0.07%; no homozygotes.

Submissions (2):

Labcorp Genetics (formerly Invitae), Labcorp
Classification: Benign for Multiple congenital exostosis. Last evaluated: 2025-11-25. Review status: criteria provided, single submitter. Criteria: Invitae Variant Classification Sherloc (09022015). Collection method: clinical testing. Allele origin: germline.

PreventionGenetics, part of Exact Sciences
Classification: Likely benign for EXT1-related condition. Last evaluated: 2022-02-25. Review status: no assertion criteria provided. Collection method: clinical testing. Allele origin: germline. Not counted in ClinVar's aggregate classification.
Comment: This variant is classified as likely benign based on ACMG/AMP sequence variant interpretation guidelines (Richards et al. 2015 PMID: 25741868, with internal and published modifications).